The following is an entry in ClinVar:

NM_182931.3(KMT2E):c.4520C>A (p.Pro1507Gln)

Gene: KMT2E (lysine methyltransferase 2E (inactive); plus strand). Cytogenetic location: 7q22.3.
Variant type: single nucleotide variant.
Coding change: c.4520C>A on transcript NM_182931.3 (MANE Select); coding-DNA position 4520, C replaced by A.
Protein change: p.Pro1507Gln; replaces proline 1507 with glutamine.
Molecular consequence: missense variant.
Genome position (GRCh38, 1-based): chr7:105,112,276, C>A. VCF-style: chr7-105112276-C-A. GRCh37 (hg19) VCF-style: chr7-104752723-C-A.
Other names: c.4394C>A, p.Pro1465Gln (NM_001410908.1); c.4520C>A, p.Pro1507Gln (NM_018682.4); short protein forms P1465Q, P1507Q.
Identifiers: ClinVar variation 2189166 (VCV002189166.4), dbSNP rs1799332718, ClinGen allele CA368792842.

ClinVar aggregate classification (germline): Uncertain significance (1 of 4 stars; one submission).

Submission:

Labcorp Genetics (formerly Invitae), Labcorp
Classification: Uncertain significance. Last evaluated: 2024-05-15. Review status: criteria provided, single submitter. Criteria: Invitae Variant Classification Sherloc (09022015). Collection method: clinical testing. Allele origin: germline.
Comment: This sequence change replaces proline, which is neutral and non-polar, with glutamine, which is neutral and polar, at codon 1507 of the KMT2E protein (p.Pro1507Gln). This variant is not present in population databases (gnomAD no frequency). This variant has not been reported in the literature in individuals affected with KMT2E-related conditions. ClinVar contains an entry for this variant (Variation ID: 2189166). Advanced modeling of protein sequence and biophysical properties (such as structural, functional, and spatial information, amino acid conservation, physicochemical variation, residue mobility, and thermodynamic stability) performed at Invitae indicates that this missense variant is not expected to disrupt KMT2E protein function with a negative predictive value of 80%. In summary, the available evidence is currently insufficient to determine the role of this variant in disease. Therefore, it has been classified as a Variant of Uncertain Significance.